The following is an entry in ClinVar:

ClinVar aggregate classification (germline): Pathogenic (1 of 4 stars; one submission).

Conditions:
Inborn genetic diseases. Identifiers: MedGen C0950123, MeSH D030342.

Allele frequency attached by ClinVar (database versions not stated): TOPMed 0.00001; ExAC 0.00002; gnomAD 0.00002; gnomAD exomes 0.00010.
gnomAD v4.1: 142 of 1,613,300 alleles (0.0088%); highest among the groups gnomAD compares: East Asian, 0.31%; 4 homozygotes.

Submission:

Ambry Genetics
Classification: Pathogenic for Inborn genetic diseases. Last evaluated: 2022-03-15. Review status: criteria provided, single submitter. Criteria: Ambry Variant Classification Scheme 2023. Collection method: clinical testing. Allele origin: germline.
Comment: The c.150G>A (p.W50*) alteration, located in exon 3 (coding exon 3) of the NSUN3 gene, consists of a G to A substitution at nucleotide position 150. This changes the amino acid from a tryptophan (W) to a stop codon at amino acid position 50. This alteration is expected to result in loss of function by premature protein truncation or nonsense-mediated mRNA decay. Based on the available evidence, this alteration is classified as pathogenic.

NM_022072.5(NSUN3):c.150G>A (p.Trp50Ter)

Gene: NSUN3 (NOP2/Sun RNA methyltransferase 3; plus strand). Cytogenetic location: 3q11.2.
Variant type: single nucleotide variant.
Coding change: c.150G>A on transcript NM_022072.5 (MANE Select); coding-DNA position 150, G replaced by A.
Protein change: p.Trp50Ter; replaces tryptophan 50 with a stop codon.
Molecular consequence: nonsense.
Genome position (GRCh38, 1-based): chr3:94,084,134, G>A. VCF-style: chr3-94084134-G-A. GRCh37 (hg19) VCF-style: chr3-93802978-G-A.
Other names: short protein forms W50*.
Identifiers: ClinVar variation 2275962 (VCV002275962.2), dbSNP rs779924826, ClinGen allele CA2504643.